The following is an entry in ClinVar:

NM_001029896.2(WDR45):c.1010_1011del (p.Phe337fs)

Gene: WDR45 (WD repeat domain 45; minus strand). Cytogenetic location: Xp11.23.
Variant type: Deletion.
Coding change: c.1010_1011del on transcript NM_001029896.2 (MANE Select); coding-DNA positions 1010 to 1011, 2 bases deleted (TC; older notation c.1010_1011delTC).
Protein change: p.Phe337fs; shifts the reading frame from phenylalanine 337.
Molecular consequence: frameshift variant.
Genome position (GRCh38, 1-based): chrX:49,074,875-49,074,876, GA deleted on the plus strand (TC on the coding strand, the reverse complement: WDR45 is on the minus strand). VCF-style (leftmost placement, unchanged base first): chrX-49074874-TGA-T. GRCh37 (hg19) VCF-style: chrX-48932533-TGA-T.
Other names: c.1013_1014del, p.Phe338fs (NM_007075.4); short protein forms F337fs, F338fs.
Identifiers: ClinVar variation 2083404 (VCV002083404.4), dbSNP rs2520259073, ClinGen allele CA2580101081.
Genomic context (GRCh38, chrX:49,074,874, plus strand): 5'-CATCATCACAGATGTCAAGGTACACGTCGAAAGCCTCTCTGTTGCAGTTTCCATCAGGAG[TGA>T]AGACATATTTGTGGAAGGTCCCATCTACGCAGATGGCTGGGGGAGGGGGGGTGGTAAAAG-3'

ClinVar aggregate classification (germline): Pathogenic (1 of 4 stars; one submission).

Conditions:
Neurodegeneration with brain iron accumulation 5 (NBIA5). Also called: STATIC ENCEPHALOPATHY OF CHILDHOOD WITH NEURODEGENERATION IN ADULTHOOD; Beta-propeller protein-associated neurodegeneration. Identifiers: Orphanet 329284, MedGen C3550973, MONDO:0010476, OMIM 300894.

Submission:

Labcorp Genetics (formerly Invitae), Labcorp
Classification: Pathogenic for Neurodegeneration with brain iron accumulation 5. Last evaluated: 2022-08-09. Review status: criteria provided, single submitter. Criteria: Invitae Variant Classification Sherloc (09022015). Collection method: clinical testing. Allele origin: germline.
Comment: This sequence change creates a premature translational stop signal (p.Phe338Tyrfs*3) in the WDR45 gene. While this is not anticipated to result in nonsense mediated decay, it is expected to disrupt the last 24 amino acid(s) of the WDR45 protein. This variant is not present in population databases (gnomAD no frequency). This variant has not been reported in the literature in individuals affected with WDR45-related conditions. This variant disrupts a region of the WDR45 protein in which other variant(s) (p.Glu347Glyfs*7) have been determined to be pathogenic (PMID: 31332960). This suggests that this is a clinically significant region of the protein, and that variants that disrupt it are likely to be disease-causing. For these reasons, this variant has been classified as Pathogenic.

Literature cited by the submitters: PubMed 31332960.